The following is an entry in ClinVar:

NM_201384.3(PLEC):c.7273C>G (p.Gln2425Glu)

Gene: PLEC (plectin; minus strand). Cytogenetic location: 8q24.3.
Variant type: single nucleotide variant.
Coding change: c.7273C>G on transcript NM_201384.3 (MANE Select); coding-DNA position 7273, C replaced by G.
Protein change: p.Gln2425Glu; replaces glutamine 2425 with glutamic acid.
Molecular consequence: missense variant.
Genome position (GRCh38, 1-based): chr8:143,922,656, G>C on the plus strand (C>G on the coding strand, the complement: PLEC is on the minus strand). VCF-style: chr8-143922656-G-C. GRCh37 (hg19) VCF-style: chr8-144996824-G-C.
Other names: c.7354C>G, p.Gln2452Glu (NM_000445.5); c.7231C>G, p.Gln2411Glu (NM_201378.4); c.7207C>G, p.Gln2403Glu (NM_201379.3); c.7684C>G, p.Gln2562Glu (NM_201380.4); c.7177C>G, p.Gln2393Glu (NM_201381.3); c.7273C>G, p.Gln2425Glu (NM_201382.4); c.7285C>G, p.Gln2429Glu (NM_201383.3); short protein forms Q2393E, Q2403E, Q2411E, Q2425E, Q2429E, Q2452E, Q2562E.
Identifiers: ClinVar variation 1718515 (VCV001718515.6), dbSNP rs1823259285, ClinGen allele CA372528341.

ClinVar aggregate classification (germline): Uncertain significance (1 of 4 stars; one submission).

Conditions:
Epidermolysis bullosa simplex 5C, with pyloric atresia (EBS5C). Also called: PLEC-Related Epidermolysis Bullosa with Pyloric Atresia; Epidermolysis bullosa simplex with pyloric atresia; PLEC1-Related Epidermolysis Bullosa with Pyloric Atresia. Identifiers: Orphanet 158684, MedGen C2677349, MONDO:0012807, OMIM 612138.
Autosomal recessive limb-girdle muscular dystrophy type 2Q (LGMDR17). Also called: MUSCULAR DYSTROPHY, LIMB-GIRDLE, AUTOSOMAL RECESSIVE 17. Identifiers: Orphanet 254361, MedGen C3150989, MONDO:0013390, OMIM 613723.
Epidermolysis bullosa simplex 5B, with muscular dystrophy (EBS5B). Also called: Epidermolysis bullosa simplex with muscular dystrophy; EPIDERMOLYSIS BULLOSA SIMPLEX AND LIMB-GIRDLE MUSCULAR DYSTROPHY. Identifiers: Orphanet 257, MedGen C2931072, MONDO:0009181, OMIM 226670.
Epidermolysis bullosa simplex, Ogna type (EBS5A). Also called: EPIDERMOLYSIS BULLOSA SIMPLEX 5A, OGNA TYPE; Pidermolysis bullosa simplex 5A, Ogna type. Identifiers: Orphanet 79401, MedGen C0432317, MONDO:0007555, OMIM 131950.
Epidermolysis bullosa simplex with nail dystrophy (EBS5D). Identifiers: MedGen C4225309, MONDO:0014661, OMIM 616487.

Allele frequency attached by ClinVar (database versions not stated): gnomAD 0.00001.
gnomAD v4.1: 1 of 1,613,314 alleles (0.000062%); highest among the groups gnomAD compares: African/African-American, 0.0013%; no homozygotes.

Submission:

Labcorp Genetics (formerly Invitae), Labcorp
Classification: Uncertain significance for Autosomal recessive limb-girdle muscular dystrophy type 2Q; Epidermolysis bullosa simplex, Ogna type; Epidermolysis bullosa simplex with nail dystrophy; Epidermolysis bullosa simplex 5C, with pyloric atresia; Epidermolysis bullosa simplex 5B, with muscular dystrophy. Last evaluated: 2022-08-31. Review status: criteria provided, single submitter. Criteria: Invitae Variant Classification Sherloc (09022015). Collection method: clinical testing. Allele origin: germline.
Comment: This sequence change replaces glutamine, which is neutral and polar, with glutamic acid, which is acidic and polar, at codon 2452 of the PLEC protein (p.Gln2452Glu). Algorithms developed to predict the effect of missense changes on protein structure and function are either unavailable or do not agree on the potential impact of this missense change (SIFT: "Deleterious"; PolyPhen-2: "Possibly Damaging"; Align-GVGD: "Class C0"). This variant is not present in population databases (gnomAD no frequency). This variant has not been reported in the literature in individuals affected with PLEC-related conditions. In summary, the available evidence is currently insufficient to determine the role of this variant in disease. Therefore, it has been classified as a Variant of Uncertain Significance.